The following is an entry in ClinVar:

NM_001379200.1(TBX1):c.1142C>T (p.Ser381Leu)

Gene: TBX1 (T-box transcription factor 1; plus strand). Cytogenetic location: 22q11.21.
Variant type: single nucleotide variant.
Coding change: c.1142C>T on transcript NM_001379200.1 (MANE Select); coding-DNA position 1142, C replaced by T.
Protein change: p.Ser381Leu; replaces serine 381 with leucine.
Molecular consequence: missense variant. On other transcripts: intron variant (2).
Genome position (GRCh38, 1-based): chr22:19,766,494, C>T. VCF-style: chr22-19766494-C-T. GRCh37 (hg19) VCF-style: chr22-19754017-C-T.
Other names: c.1115C>T, p.Ser372Leu (NM_080647.1); c.1009+492C>T (NM_005992.1, NM_080646.2); short protein forms S381L, S372L.
Identifiers: ClinVar variation 962010 (VCV000962010.9), dbSNP rs1936850184, ClinGen allele CA410684278.

ClinVar aggregate classification (germline): Uncertain significance (1 of 4 stars; one submission).

Conditions:
DiGeorge syndrome. Also called: THIRD AND FOURTH PHARYNGEAL POUCH SYNDROME; Catch22. Identifiers: Orphanet 567, MedGen C0012236, MONDO:0008564, OMIM 188400.

Allele frequency attached by ClinVar (database versions not stated): gnomAD exomes below 0.00001.
gnomAD v4.1: 2 of 1,317,354 alleles (0.00015%); highest among the groups gnomAD compares: Non-Finnish European, 0.00019%; no homozygotes.

Submission:

Labcorp Genetics (formerly Invitae), Labcorp
Classification: Uncertain significance for DiGeorge syndrome. Last evaluated: 2024-10-29. Review status: criteria provided, single submitter. Criteria: Invitae Variant Classification Sherloc (09022015). Collection method: clinical testing. Allele origin: germline.
Comment: This sequence change replaces serine, which is neutral and polar, with leucine, which is neutral and non-polar, at codon 372 of the TBX1 protein (p.Ser372Leu). This variant is not present in population databases (gnomAD no frequency). This variant has not been reported in the literature in individuals affected with TBX1-related conditions. ClinVar contains an entry for this variant (Variation ID: 962010). An algorithm developed to predict the effect of missense changes on protein structure and function (PolyPhen-2) suggests that this variant is likely to be tolerated. In summary, the available evidence is currently insufficient to determine the role of this variant in disease. Therefore, it has been classified as a Variant of Uncertain Significance.